The following is an entry in ClinVar:

ClinVar aggregate classification (germline): Uncertain significance (1 of 4 stars; one submission).

Allele frequency attached by ClinVar (database versions not stated): ESP Exome Variant Server 0.00008.
gnomAD v4.1: 18 of 1,613,924 alleles (0.0011%); highest among the groups gnomAD compares: Non-Finnish European, 0.0014%; no homozygotes.

Submission:

Labcorp Genetics (formerly Invitae), Labcorp
Classification: Uncertain significance. Last evaluated: 2023-08-04. Review status: criteria provided, single submitter. Criteria: Invitae Variant Classification Sherloc (09022015). Collection method: clinical testing. Allele origin: germline.
Comment: In summary, the available evidence is currently insufficient to determine the role of this variant in disease. Therefore, it has been classified as a Variant of Uncertain Significance. Advanced modeling of protein sequence and biophysical properties (such as structural, functional, and spatial information, amino acid conservation, physicochemical variation, residue mobility, and thermodynamic stability) performed at Invitae indicates that this missense variant is expected to disrupt MYH7B protein function. ClinVar contains an entry for this variant (Variation ID: 2168376). This variant has not been reported in the literature in individuals affected with MYH7B-related conditions. This variant is present in population databases (rs375468674, gnomAD 0.002%). This sequence change replaces arginine, which is basic and polar, with glycine, which is neutral and non-polar, at codon 1958 of the MYH7B protein (p.Arg1958Gly).

NM_020884.7(MYH7B):c.5746C>G (p.Arg1916Gly)

Gene: MYH7B (myosin heavy chain 7B; plus strand). Cytogenetic location: 20q11.22.
Variant type: single nucleotide variant.
Coding change: c.5746C>G on transcript NM_020884.7 (MANE Select); coding-DNA position 5746, C replaced by G.
Protein change: p.Arg1916Gly; replaces arginine 1916 with glycine.
Molecular consequence: missense variant.
Genome position (GRCh38, 1-based): chr20:35,002,017, C>G. VCF-style: chr20-35002017-C-G. GRCh37 (hg19) VCF-style: chr20-33589820-C-G.
Other names: short protein forms R1916G.
Identifiers: ClinVar variation 2168376 (VCV002168376.4), dbSNP rs375468674, ClinGen allele CA9828734.
Genomic context (GRCh38, chr20:35,002,017, plus strand): 5'-GCCAACACCAACCTGGCCAAGTATCGCAAGGCCCAGCACGAGCTGGATGATGCGGAGGAG[C>G]GGGCAGACATGGCGGAAACCCAGGCCAACAAGCTGCGGGCACGGACCCGGGACGCCCTGG-3'
Protein context (NP_065935.4, residues 1906-1926): AQHELDDAEE[Arg1916Gly]ADMAETQANK